The following is an entry in ClinVar:

ClinVar aggregate classification (germline): Uncertain significance. Review status: criteria provided, multiple submitters, no conflicts (2 of 4 stars). 2 submissions from 2 submitters: Uncertain significance (2). Last evaluated 2025-04-12.

Conditions:
Inborn genetic diseases. Identifiers: MedGen C0950123, MeSH D030342.

gnomAD v4.1: 1 of 1,611,848 alleles (0.000062%); no homozygotes.

Submissions (2):

Ambry Genetics
Classification: Uncertain significance for Inborn genetic diseases. Last evaluated: 2025-04-12. Review status: criteria provided, single submitter. Criteria: Ambry Variant Classification Scheme 2023. Collection method: clinical testing. Allele origin: germline.

CeGaT Center for Human Genetics Tuebingen
Classification: Uncertain significance. Last evaluated: 2025-03-01. Review status: criteria provided, single submitter. Criteria: CeGaT Center For Human Genetics Tuebingen Variant Classification Criteria Version 2. Collection method: clinical testing. Allele origin: germline. Affected: yes. Observed: 1 variant allele.
Comment: ATP8A2: PM2, PM3:Supporting, PP3, PP4

NM_016529.6(ATP8A2):c.1256T>G (p.Leu419Arg)

Gene: ATP8A2 (ATPase phospholipid transporting 8A2). Cytogenetic location: 13q12.13.
Variant type: single nucleotide variant.
Coding change: c.1256T>G on transcript NM_016529.6 (MANE Select); coding-DNA position 1256, T replaced by G.
Protein change: p.Leu419Arg; replaces leucine 419 with arginine.
Molecular consequence: missense variant.
Genome position (GRCh38, 1-based): chr13:25,555,061, T>G. VCF-style: chr13-25555061-T-G. GRCh37 (hg19) VCF-style: chr13-26129199-T-G.
Other names: c.1256T>G (NM_016529.4); c.1136T>G, p.Leu379Arg (NM_001313741.1); c.1256T>G, p.Leu419Arg (NM_001411005.1, NM_001411006.1); short protein forms L379R, L419R.
Identifiers: ClinVar variation 3778568 (VCV003778568.8).